The following is an entry in ClinVar:

NM_000719.7(CACNA1C):c.5242C>G (p.Leu1748Val)

Genes: CACNA1C (calcium voltage-gated channel subunit alpha1 C; plus strand), CACNA1C-AS1 (CACNA1C antisense RNA 1; minus strand). Cytogenetic location: 12p13.33.
Variant type: single nucleotide variant.
Coding change: c.5242C>G on transcript NM_000719.7 (MANE Select); coding-DNA position 5242, C replaced by G.
Protein change: p.Leu1748Val; replaces leucine 1748 with valine.
Molecular consequence: missense variant.
Genome position (GRCh38, 1-based): chr12:2,679,594, C>G. VCF-style: chr12-2679594-C-G. GRCh37 (hg19) VCF-style: chr12-2788760-C-G.
Other names: c.5386C>G, p.Leu1796Val (NM_001129827.2, NM_199460.4); c.5365C>G, p.Leu1789Val (NM_001129829.2); c.5242C>G, p.Leu1748Val (NM_001129830.3, NM_001129840.2, NM_001129841.2 and 4 more transcripts); c.5326C>G, p.Leu1776Val (NM_001129831.2); c.5302C>G, p.Leu1768Val (NM_001129832.2); c.5299C>G, p.Leu1767Val (NM_001129833.2, NM_001129834.2, NM_001129835.2); c.5293C>G, p.Leu1765Val (NM_001129836.2); c.5266C>G, p.Leu1756Val (NM_001129837.2, NM_001129838.2); and 3 more; short protein forms L1737V, L1745V, L1748V, L1754V, L1756V, L1765V, L1767V, L1768V.
Identifiers: ClinVar variation 3373631 (VCV003373631.1).
Genomic context (GRCh38, chr12:2,679,594, plus strand): 5'-CTGCACATCAACAAGGCGGGCAGCAGCCAGGGCGACACTGAGTCGCCATCCCACGAGAAG[C>G]TGGTGGACTCCACCTTCACCCCGAGCAGCTACTCGTCCACCGGCTCCAACGCCAACATCA-3'
Protein context (NP_000710.5, residues 1738-1758): GDTESPSHEK[Leu1748Val]VDSTFTPSSY

ClinVar aggregate classification (germline): Uncertain significance (1 of 4 stars; one submission).

Submission:

GeneDx
Classification: Uncertain significance. Last evaluated: 2024-03-06. Review status: criteria provided, single submitter. Criteria: GeneDx Variant Classification Process June 2021. Collection method: clinical testing. Allele origin: germline. Affected: yes.
Comment: Not observed at significant frequency in large population cohorts (gnomAD); In silico analysis supports that this missense variant does not alter protein structure/function; Has not been previously published as pathogenic or benign to our knowledge